The following is an entry in ClinVar:

ClinVar aggregate classification (germline): Uncertain significance (1 of 4 stars; one submission).

Submission:

Labcorp Genetics (formerly Invitae), Labcorp
Classification: Uncertain significance. Last evaluated: 2024-11-19. Review status: criteria provided, single submitter. Criteria: Invitae Variant Classification Sherloc (09022015). Collection method: clinical testing. Allele origin: germline.
Comment: This sequence change replaces alanine, which is neutral and non-polar, with glycine, which is neutral and non-polar, at codon 231 of the C1S protein (p.Ala231Gly). This variant is not present in population databases (gnomAD no frequency). This variant has not been reported in the literature in individuals affected with C1S-related conditions. Invitae Evidence Modeling of protein sequence and biophysical properties (such as structural, functional, and spatial information, amino acid conservation, physicochemical variation, residue mobility, and thermodynamic stability) indicates that this missense variant is not expected to disrupt C1S protein function with a negative predictive value of 80%. In summary, the available evidence is currently insufficient to determine the role of this variant in disease. Therefore, it has been classified as a Variant of Uncertain Significance.

NM_001734.5(C1S):c.692C>G (p.Ala231Gly)

Gene: C1S (complement C1s; plus strand). Cytogenetic location: 12p13.31.
Variant type: single nucleotide variant.
Coding change: c.692C>G on transcript NM_001734.5 (MANE Select); coding-DNA position 692, C replaced by G.
Protein change: p.Ala231Gly; replaces alanine 231 with glycine.
Molecular consequence: missense variant.
Genome position (GRCh38, 1-based): chr12:7,065,274, C>G. VCF-style: chr12-7065274-C-G. GRCh37 (hg19) VCF-style: chr12-7172578-C-G.
Other names: c.692C>G, p.Ala231Gly (NM_201442.4); c.191C>G, p.Ala64Gly (NM_001346850.2); short protein forms A231G, A64G.
Identifiers: ClinVar variation 3619706 (VCV003619706.2).
Genomic context (GRCh38, chr12:7,065,274, plus strand): 5'-GGTTCCAAGTGGTGGTGACCTTGCGGAGAGAAGATTTTGATGTGGAAGCAGCTGACTCAG[C>G]GGGAAACTGCCTTGACAGTTTAGTTGTGCGTGATGGTTGATTAATACCCCACCCTTAACT-3'
Protein context (NP_001725.1, residues 221-241): EDFDVEAADS[Ala231Gly]GNCLDSLVFV